The following is an entry in ClinVar:

ClinVar aggregate classification (germline): Benign. Review status: criteria provided, multiple submitters, no conflicts (2 of 4 stars). 2 submissions from 2 submitters: Benign (2). Last evaluated 2021-02-24.

Conditions:
Growth delay due to insulin-like growth factor type 1 deficiency (IGF1D). Also called: GROWTH RETARDATION WITH SENSORINEURAL DEAFNESS AND MENTAL RETARDATION; IGF1 DEFICIENCY. Identifiers: Orphanet 73272, MedGen C1837475, MONDO:0012110, OMIM 608747.

Allele frequency attached by ClinVar (database versions not stated): gnomAD 0.02068 and 0.02526; TOPMed 0.02635; 1000 Genomes Project 30x 0.07823; 1000 Genomes Project 0.08247.

Submissions (2):

GeneDx
Classification: Benign. Last evaluated: 2021-02-24. Review status: criteria provided, single submitter. Criteria: GeneDx Variant Classification Process June 2021. Collection method: clinical testing. Allele origin: germline. Affected: yes.
Comment: This variant is associated with the following publications: (PMID: 26159252)

Illumina Laboratory Services, Illumina
Classification: Benign for Growth delay due to insulin-like growth factor type 1 deficiency. Last evaluated: 2018-01-13. Review status: criteria provided, single submitter. Criteria: ICSL Variant Classification Criteria 13 December 2019. Collection method: clinical testing. Allele origin: germline.
Comment: This variant was observed in the ICSL laboratory as part of a predisposition screen in an ostensibly healthy population. It had not been previously curated by ICSL or reported in the Human Gene Mutation Database (HGMD: prior to June 1st, 2018), and was therefore a candidate for classification through an automated scoring system. Utilizing variant allele frequency, disease prevalence and penetrance estimates, and inheritance mode, an automated score was calculated to assess if this variant is too frequent to cause the disease. Based on the score and internal cut-off values, a variant classified as benign is not then subjected to further curation. The score for this variant resulted in a classification of benign for this disease.

NM_000618.5(IGF1):c.*2652T>C

Genes: LINC02456 (long intergenic non-protein coding RNA 2456; plus strand), IGF1 (insulin like growth factor 1; minus strand). Cytogenetic location: 12q23.2.
Variant type: single nucleotide variant.
Coding change: c.*2652T>C on transcript NM_000618.5 (MANE Select); 2652 bases downstream of the stop codon, T replaced by C.
Molecular consequence: 3 prime UTR variant.
Genome position (GRCh38, 1-based): chr12:102,399,855, A>G on the plus strand (T>C on the coding strand, the complement: IGF1 is on the minus strand). VCF-style: chr12-102399855-A-G. GRCh37 (hg19) VCF-style: chr12-102793633-A-G.
Other names: c.*2686T>C (NM_001111283.3); c.*2652T>C (NM_001111284.2).
Identifiers: ClinVar variation 306881 (VCV000306881.6), dbSNP rs6218, ClinGen allele CA10636234.